The following is an entry in ClinVar:

NM_139281.3(WDR36):c.488A>C (p.Lys163Thr)

Gene: WDR36 (WD repeat domain 36; plus strand). Cytogenetic location: 5q22.1.
Variant type: single nucleotide variant.
Coding change: c.488A>C on transcript NM_139281.3 (MANE Select); coding-DNA position 488, A replaced by C.
Protein change: p.Lys163Thr; replaces lysine 163 with threonine.
Molecular consequence: missense variant.
Genome position (GRCh38, 1-based): chr5:111,100,667, A>C. VCF-style: chr5-111100667-A-C. GRCh37 (hg19) VCF-style: chr5-110436366-A-C.
Other names: short protein forms K163T.
Identifiers: ClinVar variation 1313467 (VCV001313467.2), dbSNP rs2112568546, ClinGen allele CA360607983.

ClinVar aggregate classification (germline): Uncertain significance (1 of 4 stars; one submission).

Submission:

GeneDx
Classification: Uncertain significance. Last evaluated: 2020-10-26. Review status: criteria provided, single submitter. Criteria: GeneDx Variant Classification Process June 2021. Collection method: clinical testing. Allele origin: germline. Affected: yes.
Comment: Has not been previously published as pathogenic or benign to our knowledge; In silico analysis supports that this missense variant has a deleterious effect on protein structure/function; Not observed in large population cohorts (Lek et al., 2016)